The following is an entry in ClinVar:

ClinVar aggregate classification (germline): Uncertain significance. Review status: criteria provided, multiple submitters, no conflicts (2 of 4 stars). 3 submissions from 3 submitters: Uncertain significance (3). Last evaluated 2025-01-08.

Conditions:
Inborn genetic diseases. Identifiers: MedGen C0950123, MeSH D030342.

Allele frequency attached by ClinVar (database versions not stated): gnomAD exomes 0.00001 and 0.00002; ExAC 0.00002; gnomAD 0.00009 and 0.00013; ESP Exome Variant Server 0.00015; TOPMed 0.00017.
gnomAD v4.1: 30 of 1,614,032 alleles (0.0019%); highest among the groups gnomAD compares: African/African-American, 0.027%; no homozygotes.

Submissions (3):

Ambry Genetics
Classification: Uncertain significance for Inborn genetic diseases. Last evaluated: 2025-01-08. Review status: criteria provided, single submitter. Criteria: Ambry Variant Classification Scheme 2023. Collection method: clinical testing. Allele origin: germline.

Women's Health and Genetics/Laboratory Corporation of America, LabCorp
Classification: Uncertain significance. Last evaluated: 2024-02-27. Review status: criteria provided, single submitter. Criteria: LabCorp Variant Classification Summary - May 2015. Collection method: clinical testing. Allele origin: germline.
Comment: Variant summary: HSPG2 c.3119A>G (p.Glu1040Gly) results in a non-conservative amino acid change located in the second laminin IV domain (IPR000034) of the encoded protein sequence. Four of five in-silico tools predict a damaging effect of the variant on protein function. The variant allele was found at a frequency of 1.9e-05 in 1607036 control chromosomes, predominantly at a frequency of 0.00027 within the African or African-American subpopulation in the gnomAD database (v4.0 dataset). To our knowledge, no occurrence of c.3119A>G in individuals affected with Schwartz Jampel Syndrome Type 1 and no experimental evidence demonstrating its impact on protein function have been reported. ClinVar contains an entry for this variant (Variation ID: 618686). Based on the evidence outlined above, the variant was classified as uncertain significance.

ARUP Laboratories, Molecular Genetics and Genomics, ARUP Laboratories
Classification: Uncertain significance. Last evaluated: 2017-10-24. Review status: criteria provided, single submitter. Criteria: ARUP Molecular Germline Variant Investigation Process. Collection method: clinical testing. Allele origin: germline.

NM_005529.7(HSPG2):c.3119A>G (p.Glu1040Gly)

Gene: HSPG2 (heparan sulfate proteoglycan 2; minus strand). Cytogenetic location: 1p36.12.
Variant type: single nucleotide variant.
Coding change: c.3119A>G on transcript NM_005529.7 (MANE Select); coding-DNA position 3119, A replaced by G.
Protein change: p.Glu1040Gly; replaces glutamic acid 1040 with glycine.
Molecular consequence: missense variant.
Genome position (GRCh38, 1-based): chr1:21,875,927, T>C on the plus strand (A>G on the coding strand, the complement: HSPG2 is on the minus strand). VCF-style: chr1-21875927-T-C. GRCh37 (hg19) VCF-style: chr1-22202420-T-C.
Other names: c.3122A>G, p.Glu1041Gly (NM_001291860.2); c.3119A>G (NM_005529.5); short protein forms E1040G, E1041G.
Identifiers: ClinVar variation 618686 (VCV000618686.13), dbSNP rs370768382, ClinGen allele CA672766.
Genomic context (GRCh38, chr1:21,875,927, plus strand): 5'-CGGAAAGGCACAATGAAGGTGCTGGGCTGGCCGGGGCTGGGCTCCTGGGCCACATGGTGC[T>C]CTAGGATGATGTTGTTACCTTGCAGCACCACCAACGGCTGCCCGTGCAGGGGTGTGGAGC-3'
Protein context (NP_005520.4, residues 1030-1050): VVLQGNNIIL[Glu1040Gly]HHVAQEPSPG